The following is an entry in ClinVar:

NM_001346249.2(RALGAPA1):c.5294C>T (p.Pro1765Leu)

Gene: RALGAPA1 (Ral GTPase activating protein catalytic subunit alpha 1; minus strand). Cytogenetic location: 14q13.2.
Variant type: single nucleotide variant.
Coding change: c.5294C>T on transcript NM_001346249.2 (MANE Select); coding-DNA position 5294, C replaced by T.
Protein change: p.Pro1765Leu; replaces proline 1765 with leucine.
Molecular consequence: missense variant.
Genome position (GRCh38, 1-based): chr14:35,664,676, G>A on the plus strand (C>T on the coding strand, the complement: RALGAPA1 is on the minus strand). VCF-style: chr14-35664676-G-A. GRCh37 (hg19) VCF-style: chr14-36133882-G-A.
Other names: c.3815C>T, p.Pro1272Leu (NM_001283043.3); c.3917C>T, p.Pro1306Leu (NM_001283044.3, NM_001346245.2, NM_001346247.2); c.5153C>T, p.Pro1718Leu (NM_001330075.3, NM_001346248.2); c.3776C>T, p.Pro1259Leu (NM_001346243.2, NM_001346246.2, NM_014990.3 and 1 more transcripts); short protein forms P1259L, P1272L, P1306L, P1718L, P1765L.
Identifiers: ClinVar variation 3253225 (VCV003253225.1), dbSNP rs2550151113.

ClinVar aggregate classification (germline): Uncertain significance (1 of 4 stars; one submission).

Submission:

GeneDx
Classification: Uncertain significance. Last evaluated: 2023-12-18. Review status: criteria provided, single submitter. Criteria: GeneDx Variant Classification Process June 2021. Collection method: clinical testing. Allele origin: germline. Affected: yes.
Comment: Not observed at significant frequency in large population cohorts (gnomAD); In silico analysis supports that this missense variant has a deleterious effect on protein structure/function; Has not been previously published as pathogenic or benign to our knowledge